The following is an entry in ClinVar:

ClinVar aggregate classification (germline): Uncertain significance (1 of 4 stars; one submission).

Conditions:
Hereditary cancer-predisposing syndrome. Also called: Neoplastic Syndromes, Hereditary; Tumor predisposition; Hereditary neoplastic syndrome; Hereditary Cancer Syndrome. Identifiers: Orphanet 140162, MedGen C0027672, MeSH D009386, MONDO:0015356.

Submission:

Ambry Genetics
Classification: Uncertain significance for Hereditary cancer-predisposing syndrome. Last evaluated: 2023-01-28. Review status: criteria provided, single submitter. Criteria: Ambry Variant Classification Scheme 2023. Collection method: clinical testing. Allele origin: germline.
Comment: The p.G97D variant (also known as c.290G>A), located in coding exon 1 of the CDKN1B gene, results from a G to A substitution at nucleotide position 290. The glycine at codon 97 is replaced by aspartic acid, an amino acid with similar properties. This amino acid position is conserved. In addition, this alteration is predicted to be tolerated by in silico analysis. Since supporting evidence is limited at this time, the clinical significance of this alteration remains unclear.

NM_004064.5(CDKN1B):c.290G>A (p.Gly97Asp)

Gene: CDKN1B (cyclin dependent kinase inhibitor 1B; plus strand). Cytogenetic location: 12p13.1.
Variant type: single nucleotide variant.
Coding change: c.290G>A on transcript NM_004064.5 (MANE Select); coding-DNA position 290, G replaced by A.
Protein change: p.Gly97Asp; replaces glycine 97 with aspartic acid.
Molecular consequence: missense variant.
Genome position (GRCh38, 1-based): chr12:12,718,129, G>A. VCF-style: chr12-12718129-G-A. GRCh37 (hg19) VCF-style: chr12-12871063-G-A.
Other names: short protein forms G97D.
Identifiers: ClinVar variation 2450787 (VCV002450787.2), dbSNP rs2136356041, ClinGen allele CA383970063.